The following is an entry in ClinVar:

NM_001365536.1(SCN9A):c.5956A>G (p.Ser1986Gly)

Genes: SCN1A-AS1 (SCN1A and SCN9A antisense RNA 1; plus strand), SCN9A (sodium voltage-gated channel alpha subunit 9; minus strand). Cytogenetic location: 2q24.3.
Variant type: single nucleotide variant.
Coding change: c.5956A>G on transcript NM_001365536.1 (MANE Select); coding-DNA position 5956, A replaced by G.
Protein change: p.Ser1986Gly; replaces serine 1986 with glycine.
Molecular consequence: missense variant.
Genome position (GRCh38, 1-based): chr2:166,198,683, T>C on the plus strand (A>G on the coding strand, the complement: SCN9A is on the minus strand). VCF-style: chr2-166198683-T-C. GRCh37 (hg19) VCF-style: chr2-167055193-T-C.
Other names: p.Ser1975Gly; c.5923A>G, p.Ser1975Gly (NM_002977.4); short protein forms S1975G, S1986G.
Identifiers: ClinVar variation 471159 (VCV000471159.17), dbSNP rs200785571, ClinGen allele CA1943590.

ClinVar aggregate classification (germline): Uncertain significance. Review status: criteria provided, multiple submitters, no conflicts (2 of 4 stars). 5 submissions from 5 submitters: Uncertain significance (5). Last evaluated 2025-12-03.

Conditions:
Neuropathy, hereditary sensory and autonomic, type 2A (HSAN2A). Also called: ACROOSTEOLYSIS, NEUROGENIC; ACROOSTEOLYSIS, GIACCAI TYPE; MORVAN DISEASE; NEUROPATHY, CONGENITAL SENSORY; NEUROPATHY, HEREDITARY SENSORY RADICULAR, AUTOSOMAL RECESSIVE; NEUROPATHY, HEREDITARY SENSORY, TYPE IIA. Identifiers: Orphanet 970, MedGen C2752089, MONDO:0024309, OMIM 201300.
Generalized epilepsy with febrile seizures plus, type 7 (GEFSP7). Also called: GEFS+, TYPE 7. Identifiers: Orphanet 36387, MedGen C2751778, MONDO:0013470, OMIM 613863.
Inborn genetic diseases. Identifiers: MedGen C0950123, MeSH D030342.

Allele frequency attached by ClinVar (database versions not stated): gnomAD exomes 0.00004 and 0.00005; ExAC 0.00005; gnomAD 0.00006; TOPMed 0.00010; 1000 Genomes Project 30x 0.00016; ESP Exome Variant Server 0.00017; 1000 Genomes Project 0.00020.
gnomAD v4.1: 82 of 1,592,248 alleles (0.0051%); highest among the groups gnomAD compares: Non-Finnish European, 0.0062%; no homozygotes.

Submissions (5):

Labcorp Genetics (formerly Invitae), Labcorp
Classification: Uncertain significance for Neuropathy, hereditary sensory and autonomic, type 2A; Generalized epilepsy with febrile seizures plus, type 7. Last evaluated: 2025-12-03. Review status: criteria provided, single submitter. Criteria: Invitae Variant Classification Sherloc (09022015). Collection method: clinical testing. Allele origin: germline.
Comment: This sequence change replaces serine, which is neutral and polar, with glycine, which is neutral and non-polar, at codon 1975 of the SCN9A protein (p.Ser1975Gly). This variant is present in population databases (rs200785571, gnomAD 0.008%). This variant has not been reported in the literature in individuals affected with SCN9A-related conditions. ClinVar contains an entry for this variant (Variation ID: 471159). An algorithm developed to predict the effect of missense changes on protein structure and function outputs the following: PolyPhen-2: "Not Available". The glycine amino acid residue is found in multiple mammalian species, which suggests that this missense change does not adversely affect protein function. In summary, the available evidence is currently insufficient to determine the role of this variant in disease. Therefore, it has been classified as a Variant of Uncertain Significance.

Ambry Genetics
Classification: Uncertain significance for Inborn genetic diseases. Last evaluated: 2025-11-06. Review status: criteria provided, single submitter. Criteria: Ambry Variant Classification Scheme 2023. Collection method: clinical testing. Allele origin: germline.

ARUP Laboratories, Molecular Genetics and Genomics, ARUP Laboratories
Classification: Uncertain significance. Last evaluated: 2024-04-16. Review status: criteria provided, single submitter. Criteria: ARUP Molecular Germline Variant Investigation Process 2024. Collection method: clinical testing. Allele origin: germline.
Comment: The SCN9A c.5923A>G; p.Ser1975Gly variant (rs200785571), to our knowledge, is not reported in the medical literature but is reported in ClinVar (Variation ID: 471159). This variant is found in the non-Finnish European population with an allele frequency of 0.007% (8/120,012 alleles) in the Genome Aggregation Database (v2.1.1). Computational analyses are uncertain whether this variant is neutral or deleterious (REVEL: 0.279). Due to limited information, the clinical significance of this variant is uncertain at this time.

Mayo Clinic Laboratories, Mayo Clinic
Classification: Uncertain significance. Last evaluated: 2023-02-02. Review status: criteria provided, single submitter. Criteria: ACMG Guidelines, 2015. Collection method: clinical testing. Allele origin: germline. Observed: 3 variant alleles.

Revvity Omics, Revvity
Classification: Uncertain significance. Last evaluated: 2020-04-30. Review status: criteria provided, single submitter. Criteria: ACMG Guidelines, 2015. Collection method: clinical testing. Allele origin: germline.